The following is an entry in ClinVar:

NM_181882.3(PRX):c.2209G>A (p.Val737Met)

Gene: PRX (periaxin; minus strand). Cytogenetic location: 19q13.2.
Variant type: single nucleotide variant.
Coding change: c.2209G>A on transcript NM_181882.3 (MANE Select); coding-DNA position 2209, G replaced by A.
Protein change: p.Val737Met; replaces valine 737 with methionine.
Molecular consequence: missense variant. On other transcripts: 3 prime UTR variant (1).
Genome position (GRCh38, 1-based): chr19:40,396,143, C>T on the plus strand (G>A on the coding strand, the complement: PRX is on the minus strand). VCF-style: chr19-40396143-C-T. GRCh37 (hg19) VCF-style: chr19-40902050-C-T.
Other names: c.*2414G>A (NM_020956.2); short protein forms V737M.
Identifiers: ClinVar variation 543412 (VCV000543412.8), dbSNP rs1237761863, ClinGen allele CA405896761.
Genomic context (GRCh38, chr19:40,396,143, plus strand): 5'-CCGGCAGCCGAATCTCTGACACTTTCGGCAGCTGCACCTCGGGGAGGTGCACATCGGGCA[C>T]AGCCATCTCAGGCACCTTGGGGAGTTTTATCTCTGGGAGCTTCATGTCAGGGACTTTCAT-3'
Protein context (NP_870998.2, residues 727-747): IKLPKVPEMA[Val737Met]PDVHLPEVQL

ClinVar aggregate classification (germline): Uncertain significance (1 of 4 stars; one submission).

Conditions:
Charcot-Marie-Tooth disease type 4. Also called: Charcot-Marie-Tooth disease, type IV; Charcot-Marie-Tooth, Type 4. Identifiers: Orphanet 64749, MedGen C4082197, MONDO:0018995.

Allele frequency attached by ClinVar (database versions not stated): gnomAD exomes below 0.00001; gnomAD 0.00001; TOPMed 0.00001.
gnomAD v4.1: 3 of 1,613,730 alleles (0.00019%); highest among the groups gnomAD compares: African/African-American, 0.0013%; no homozygotes.

Submission:

Labcorp Genetics (formerly Invitae), Labcorp
Classification: Uncertain significance for Charcot-Marie-Tooth disease type 4. Last evaluated: 2017-08-27. Review status: criteria provided, single submitter. Criteria: Invitae Variant Classification Sherloc (09022015). Collection method: clinical testing. Allele origin: germline.
Comment: Algorithms developed to predict the effect of missense changes on protein structure and function do not agree on the potential impact of this missense change (SIFT: "Tolerated"; PolyPhen-2: "Possibly Damaging"; Align-GVGD: "Class C0"). This variant has not been reported in the literature in individuals with PRX-related disease. This variant is not present in population databases (ExAC no frequency). This sequence change replaces valine with methionine at codon 737 of the PRX protein (p.Val737Met). The valine residue is moderately conserved and there is a small physicochemical difference between valine and methionine. In summary, the available evidence is currently insufficient to determine the role of this variant in disease. Therefore, it has been classified as a Variant of Uncertain Significance.